The following is an entry in ClinVar:

ClinVar aggregate classification (germline): Uncertain significance (1 of 4 stars; one submission).

Submission:

Labcorp Genetics (formerly Invitae), Labcorp
Classification: Uncertain significance. Last evaluated: 2024-12-12. Review status: criteria provided, single submitter. Criteria: Invitae Variant Classification Sherloc (09022015). Collection method: clinical testing. Allele origin: germline.
Comment: This sequence change replaces valine, which is neutral and non-polar, with phenylalanine, which is neutral and non-polar, at codon 95 of the DHX32 protein (p.Val95Phe). This variant is not present in population databases (gnomAD no frequency). This variant has not been reported in the literature in individuals affected with DHX32-related conditions. An algorithm developed to predict the effect of missense changes on protein structure and function (PolyPhen-2) suggests that this variant is likely to be disruptive. In summary, the available evidence is currently insufficient to determine the role of this variant in disease. Therefore, it has been classified as a Variant of Uncertain Significance.

NM_018180.3(DHX32):c.283G>T (p.Val95Phe)

Gene: DHX32 (DEAH-box helicase 32 (putative); minus strand). Cytogenetic location: 10q26.2.
Variant type: single nucleotide variant.
Coding change: c.283G>T on transcript NM_018180.3 (MANE Select); coding-DNA position 283, G replaced by T.
Protein change: p.Val95Phe; replaces valine 95 with phenylalanine.
Molecular consequence: missense variant.
Genome position (GRCh38, 1-based): chr10:125,867,183, C>A on the plus strand (G>T on the coding strand, the complement: DHX32 is on the minus strand). VCF-style: chr10-125867183-C-A. GRCh37 (hg19) VCF-style: chr10-127555752-C-A.
Other names: short protein forms V95F.
Identifiers: ClinVar variation 3682037 (VCV003682037.2).